The following is an entry in ClinVar:

NM_015151.4(DIP2A):c.2544C>T (p.Thr848=)

Gene: DIP2A (DIP2 acetate--CoA ligase A; plus strand). Cytogenetic location: 21q22.3.
Variant type: single nucleotide variant.
Coding change: c.2544C>T on transcript NM_015151.4 (MANE Select); coding-DNA position 2544, C replaced by T.
Protein change: p.Thr848=; no amino-acid change (threonine 848 retained).
Molecular consequence: synonymous variant.
Genome position (GRCh38, 1-based): chr21:46,549,792, C>T. VCF-style: chr21-46549792-C-T. GRCh37 (hg19) VCF-style: chr21-47969705-C-T.
Other names: c.2532C>T, p.Thr844= (NM_001146116.2); c.2547C>T, p.Thr849= (NM_001353942.2); c.2544C>T, p.Thr848= (NM_001353943.2, NM_206889.3).
Identifiers: ClinVar variation 708063 (VCV000708063.6), dbSNP rs143909470, ClinGen allele CA10082461.

ClinVar aggregate classification (germline): Benign/Likely benign. Review status: criteria provided, multiple submitters, no conflicts (2 of 4 stars). 3 submissions from 3 submitters: Benign (2); Likely benign (1). Last evaluated 2026-05-01.

Allele frequency attached by ClinVar (database versions not stated): gnomAD 0.00233; TOPMed 0.00324; 1000 Genomes Project 0.00359; ESP Exome Variant Server 0.00384; 1000 Genomes Project 30x 0.00453.
gnomAD v4.1: 1,063 of 1,613,792 alleles (0.066%); highest among the groups gnomAD compares: African/African-American, 1%; 5 homozygotes.

Submissions (3):

CeGaT Center for Human Genetics Tuebingen
Classification: Likely benign. Last evaluated: 2026-05-01. Review status: criteria provided, single submitter. Criteria: CeGaT Center For Human Genetics Tuebingen Variant Classification Criteria Version 2. Collection method: clinical testing. Allele origin: germline. Affected: yes. Observed: 1 variant allele.
Comment: DIP2A: BP4, BP7, BS1

Labcorp Genetics (formerly Invitae), Labcorp
Classification: Benign. Last evaluated: 2018-01-30. Review status: criteria provided, single submitter. Criteria: Invitae Variant Classification Sherloc (09022015). Collection method: clinical testing. Allele origin: germline.

Breakthrough Genomics
Classification: Benign. Review status: criteria provided, single submitter. Criteria: ACMG Guidelines, 2015. Collection method: not provided. Allele origin: germline. Inheritance: Unknown mechanism. Affected: yes.